The following is an entry in ClinVar:

ClinVar aggregate classification (germline): Pathogenic (1 of 4 stars; one submission).

Conditions:
Kell blood group system (KEL). Also called: K(0); Ko; BLOOD GROUP--KELL-CELLANO SYSTEM. Identifiers: MedGen C0022546, OMIM 110900.

Allele frequency attached by ClinVar (database versions not stated): TOPMed below 0.00001.

Submission:

Institute of Human Genetics, University of Leipzig Medical Center
Classification: Pathogenic for Kell blood group system. Last evaluated: 2023-05-02. Review status: criteria provided, single submitter. Criteria: ACMG Guidelines, 2015. Collection method: clinical testing. Allele origin: unknown. Inheritance: Autosomal recessive inheritance. Affected: yes.
Comment: Criteria applied: PVS1,PM2_SUP, PM3_SUP, PP4

NM_000420.3(KEL):c.400+1G>A

Gene: KEL (Kell metallo-endopeptidase (Kell blood group); minus strand). Cytogenetic location: 7q34.
Variant type: single nucleotide variant.
Coding change: c.400+1G>A on transcript NM_000420.3 (MANE Select); the canonical splice donor site of the intron after coding-DNA position 400, G replaced by A.
Molecular consequence: splice donor variant.
Genome position (GRCh38, 1-based): chr7:142,960,927, C>T on the plus strand (G>A on the coding strand, the complement: KEL is on the minus strand). VCF-style: chr7-142960927-C-T. GRCh37 (hg19) VCF-style: chr7-142658014-C-T.
Identifiers: ClinVar variation 2576608 (VCV002576608.2), dbSNP rs1796939367, ClinGen allele CA369633539.